The following is an entry in ClinVar:

NM_015015.3(KDM4B):c.1115+611G>A

Gene: KDM4B (lysine demethylase 4B; plus strand). Cytogenetic location: 19p13.3.
Variant type: single nucleotide variant.
Coding change: c.1115+611G>A on transcript NM_015015.3 (MANE Select); 611 bases into the intron after coding-DNA position 1115, G replaced by A.
Molecular consequence: intron variant. On other transcripts: synonymous variant (1).
Genome position (GRCh38, 1-based): chr19:5,111,429, G>A. VCF-style: chr19-5111429-G-A. GRCh37 (hg19) VCF-style: chr19-5111440-G-A.
Other names: c.1170G>A, p.Pro390= (NM_001370093.1); c.1116-346G>A (NM_001370094.1); c.1115+611G>A (NM_001411148.1).
Identifiers: ClinVar variation 2649091 (VCV002649091.24), dbSNP rs183356963, ClinGen allele CA9107619.

ClinVar aggregate classification (germline): Likely benign (1 of 4 stars; one submission).

Allele frequency attached by ClinVar (database versions not stated): ESP Exome Variant Server 0.00052; TOPMed 0.00061; gnomAD 0.00063; 1000 Genomes Project 30x 0.00078; 1000 Genomes Project 0.00080.
gnomAD v4.1: 210 of 765,290 alleles (0.027%); highest among the groups gnomAD compares: African/African-American, 0.2%; no homozygotes.

Submission:

CeGaT Center for Human Genetics Tuebingen
Classification: Likely benign. Last evaluated: 2023-09-01. Review status: criteria provided, single submitter. Criteria: CeGaT Center For Human Genetics Tuebingen Variant Classification Criteria Version 2. Collection method: clinical testing. Allele origin: germline. Affected: yes. Observed: 1 variant allele.
Comment: KDM4B: BP4, BP7